The following is an entry in ClinVar:

NM_000088.4(COL1A1):c.1515+17G>A

Gene: COL1A1 (collagen type I alpha 1 chain; minus strand). Cytogenetic location: 17q21.33.
Variant type: single nucleotide variant.
Coding change: c.1515+17G>A on transcript NM_000088.4 (MANE Select); 17 bases into the intron after coding-DNA position 1515, G replaced by A.
Molecular consequence: intron variant.
Genome position (GRCh38, 1-based): chr17:50,194,556, C>T on the plus strand (G>A on the coding strand, the complement: COL1A1 is on the minus strand). VCF-style: chr17-50194556-C-T. GRCh37 (hg19) VCF-style: chr17-48271917-C-T.
Other names: c.1515+17G>A (NM_000088.3).
Identifiers: ClinVar variation 1639137 (VCV001639137.11), dbSNP rs778395663, ClinGen allele CA8645226.

ClinVar aggregate classification (germline): Likely benign. Review status: criteria provided, multiple submitters, no conflicts (2 of 4 stars). 3 submissions from 3 submitters: Likely benign (2). 1 of the submissions does not count toward it. Last evaluated 2026-04-28.

Conditions:
Osteogenesis imperfecta type I (OI1). Also called: OI, TYPE I; OSTEOGENESIS IMPERFECTA TARDA; OSTEOGENESIS IMPERFECTA WITH BLUE SCLERAE; Osteogenesis imperfecta type 1; Lobstein's Disease; Lobstein disease. Identifiers: Orphanet 216796, Orphanet 666, MedGen C0023931, MONDO:0008146, OMIM 166200. Disease mechanism: loss of function.
COL1A1-related disorder. Also called: COL1A1- related disease; COL1A1-related condition.

Allele frequency attached by ClinVar (database versions not stated): gnomAD exomes 0.00001 and 0.00002; ExAC 0.00002; TOPMed 0.00004; gnomAD 0.00005 and 0.00006.

Submissions (3):

Women's Health and Genetics/Laboratory Corporation of America, LabCorp
Classification: Likely benign. Last evaluated: 2026-04-28. Review status: criteria provided, single submitter. Criteria: LabCorp Variant Classification Summary - May 2015. Collection method: clinical testing. Allele origin: germline.

Labcorp Genetics (formerly Invitae), Labcorp
Classification: Likely benign for Osteogenesis imperfecta type I. Last evaluated: 2024-03-27. Review status: criteria provided, single submitter. Criteria: Invitae Variant Classification Sherloc (09022015). Collection method: clinical testing. Allele origin: germline.

PreventionGenetics, part of Exact Sciences
Classification: Likely benign for COL1A1-related condition. Last evaluated: 2019-07-17. Review status: no assertion criteria provided. Collection method: clinical testing. Allele origin: germline. Not counted in ClinVar's aggregate classification.
Comment: This variant is classified as likely benign based on ACMG/AMP sequence variant interpretation guidelines (Richards et al. 2015 PMID: 25741868, with internal and published modifications).